The following is an entry in ClinVar:

ClinVar aggregate classification (germline): Likely benign (1 of 4 stars; one submission).

Submission:

CeGaT Center for Human Genetics Tuebingen
Classification: Likely benign. Last evaluated: 2024-01-01. Review status: criteria provided, single submitter. Criteria: CeGaT Center For Human Genetics Tuebingen Variant Classification Criteria Version 2. Collection method: clinical testing. Allele origin: germline. Affected: yes. Observed: 1 variant allele.
Comment: SSC5D: PM2:Supporting, BP4, BP7

NM_001144950.2(SSC5D):c.2724C>A (p.Pro908=)

Gene: SSC5D (scavenger receptor cysteine rich family member with 5 domains; plus strand). Cytogenetic location: 19q13.42.
Variant type: single nucleotide variant.
Coding change: c.2724C>A on transcript NM_001144950.2 (MANE Select); coding-DNA position 2724, C replaced by A.
Protein change: p.Pro908=; no amino-acid change (proline 908 retained).
Molecular consequence: synonymous variant.
Genome position (GRCh38, 1-based): chr19:55,501,140, C>A. VCF-style: chr19-55501140-C-A. GRCh37 (hg19) VCF-style: chr19-56012507-C-A.
Other names: c.2724C>A, p.Pro908= (NM_001195267.2).
Identifiers: ClinVar variation 3026889 (VCV003026889.22), dbSNP rs2514271636, ClinGen allele CA508998693.
Genomic context (GRCh38, chr19:55,501,140, plus strand): 5'-CTCAAGAGAGGACCTGGCCAAGGGGACTACCACAGCGGGGGTACCTGGACACACTCTCCC[C>A]TGGAGGACCACCCGGCGCCCGGGTAGCTCCTCCCCAGCAATAAGGCGCCTGCCGGACACA-3'
Protein context (NP_001138422.1, residues 898-918): TTAGVPGHTL[Pro908=]WRTTRRPGSS